The following is an entry in ClinVar:

NM_005476.7(GNE):c.796C>T (p.Arg266Trp)

Gene: GNE (glucosamine (UDP-N-acetyl)-2-epimerase/N-acetylmannosamine kinase; minus strand). Cytogenetic location: 9p13.3.
Variant type: single nucleotide variant.
Coding change: c.796C>T on transcript NM_005476.7 (MANE Select); coding-DNA position 796, C replaced by T.
Protein change: p.Arg266Trp; replaces arginine 266 with tryptophan.
Molecular consequence: missense variant.
Genome position (GRCh38, 1-based): chr9:36,234,106, G>A on the plus strand (C>T on the coding strand, the complement: GNE is on the minus strand). VCF-style: chr9-36234106-G-A. GRCh37 (hg19) VCF-style: chr9-36234103-G-A.
Other names: c.889C>T, p.Arg297Trp (NM_001128227.3); c.796C>T, p.Arg266Trp (NM_001190383.3); c.466C>T, p.Arg156Trp (NM_001190384.3); c.619C>T, p.Arg207Trp (NM_001190388.2, NM_001374798.1); c.643C>T, p.Arg215Trp (NM_001374797.1); short protein forms R266W, R297W, R156W, R207W, R215W.
Identifiers: ClinVar variation 6021 (VCV000006021.8), dbSNP rs121908621, ClinGen allele CA340501.

ClinVar aggregate classification (germline): Pathogenic. Review status: criteria provided, single submitter (1 of 4 stars). 4 submissions from 4 submitters: Pathogenic (1). 3 of the submissions do not count toward it. Last evaluated 2024-04-08.

Conditions:
Inborn genetic diseases. Identifiers: MedGen C0950123, MeSH D030342.
Sialuria. Also called: SIALURIA, FRENCH TYPE; Sialic Acid Storage Disease. Identifiers: Orphanet 3166, MedGen C0342853, MONDO:0010028, OMIM 269921.

Submissions (4):

Ambry Genetics
Classification: Pathogenic for Inborn genetic diseases. Last evaluated: 2024-04-08. Review status: criteria provided, single submitter. Criteria: Ambry Variant Classification Scheme 2023. Collection method: clinical testing. Allele origin: germline.
Comment: The c.889C>T (p.R297W) alteration is located in exon 5 (coding exon 5) of the GNE gene. This alteration results from a C to T substitution at nucleotide position 889, causing the arginine (R) at amino acid position 297 to be replaced by a tryptophan (W). for autosomal dominant sialuria; however, its clinical significance for autosomal recessive Nonaka myopathy is uncertain This variant was not reported in population-based cohorts in the Genome Aggregation Database (gnomAD). This variant has been determined to be the result of a de novo mutation in two individuals with hepatosplenomegaly and has been observed heterozygous in one individual with hepatosplenomegaly, developmental delay, macrocephaly, and other clinical features consistent with sialuria (Seppala, 1999; Ambry internal data). Another missense change at the same codon, c.890G>A (p.R279Q), has been reported in patients with sialuria (Seppala 1999; reviewed in Kurochkina, 2010). This amino acid position is highly conserved in available vertebrate species. This alteration is predicted to be deleterious by in silico analysis. Based on the available evidence, this alteration is classified as pathogenic.

Biochemical Molecular Genetic Laboratory, King Abdulaziz Medical City
Classification: Likely pathogenic for Sialuria. Last evaluated: 2020-09-10. Review status: no assertion criteria provided. Collection method: clinical testing. Allele origin: germline. Affected: yes. Not counted in ClinVar's aggregate classification.

OMIM
Classification: Pathogenic for SIALURIA. Last evaluated: 1999-06-01. Review status: no assertion criteria provided. Collection method: literature only. Allele origin: germline. Not counted in ClinVar's aggregate classification.

GeneReviews
No classification provided. Condition: Sialuria. Review status: no classification provided. Collection method: literature only. Allele origin: unknown. Not counted in ClinVar's aggregate classification.

Literature cited by the submitters: PubMed 10330343 (cited by Ambry Genetics and OMIM); PubMed 11326336 (cited by Ambry Genetics); PubMed 19917666 (cited by Ambry Genetics); PubMed 2443758 (cited by OMIM); PubMed 20301343 (cited by GeneReviews); NCBI Bookshelf NBK1164 (cited by GeneReviews).